The following is an entry in ClinVar:

ClinVar aggregate classification (germline): Uncertain significance (1 of 4 stars; one submission).

gnomAD v4.1: 1 of 1,612,926 alleles (0.000062%); highest among the groups gnomAD compares: Admixed American, 0.0017%; no homozygotes.

Submission:

CeGaT Center for Human Genetics Tuebingen
Classification: Uncertain significance. Last evaluated: 2026-09-01. Review status: criteria provided, single submitter. Criteria: CeGaT Center For Human Genetics Tuebingen Variant Classification Criteria Version 2. Collection method: clinical testing. Allele origin: germline. Affected: yes. Observed: 1 variant allele.
Comment: AGO1: PM2:Supporting, BP4

NM_012199.5(AGO1):c.1413G>A (p.Gln471=)

Gene: AGO1 (argonaute RISC component 1; plus strand). Cytogenetic location: 1p34.3.
Variant type: single nucleotide variant.
Coding change: c.1413G>A on transcript NM_012199.5 (MANE Select); coding-DNA position 1413, G replaced by A.
Protein change: p.Gln471=; no amino-acid change (glutamine 471 retained).
Molecular consequence: synonymous variant.
Genome position (GRCh38, 1-based): chr1:35,906,950, G>A. VCF-style: chr1-35906950-G-A. GRCh37 (hg19) VCF-style: chr1-36372551-G-A.
Other names: c.1413G>A, p.Gln471= (NM_001317122.2); c.1188G>A, p.Gln396= (NM_001317123.2).
Identifiers: ClinVar variation 5041738 (VCV005041738.1).